The following is an entry in ClinVar:

ClinVar aggregate classification (germline): Uncertain significance. Review status: criteria provided, multiple submitters, no conflicts (2 of 4 stars). 2 submissions from 2 submitters: Uncertain significance (2). Last evaluated 2025-11-22.

Allele frequency attached by ClinVar (database versions not stated): ExAC 0.00002; gnomAD exomes 0.00004.

Submissions (2):

Labcorp Genetics (formerly Invitae), Labcorp
Classification: Uncertain significance. Last evaluated: 2025-11-22. Review status: criteria provided, single submitter. Criteria: Invitae Variant Classification Sherloc (09022015). Collection method: clinical testing. Allele origin: germline.
Comment: This sequence change replaces histidine, which is basic and polar, with tyrosine, which is neutral and polar, at codon 215 of the ARHGEF1 protein (p.His215Tyr). This variant is present in population databases (rs782117361, gnomAD 0.008%). This variant has not been reported in the literature in individuals affected with ARHGEF1-related conditions. ClinVar contains an entry for this variant (Variation ID: 1404681). An algorithm developed to predict the effect of missense changes on protein structure and function (PolyPhen-2) suggests that this variant is likely to be tolerated. In summary, the available evidence is currently insufficient to determine the role of this variant in disease. Therefore, it has been classified as a Variant of Uncertain Significance.

Ambry Genetics
Classification: Uncertain significance. Last evaluated: 2025-10-14. Review status: criteria provided, single submitter. Criteria: Ambry Variant Classification Scheme 2023. Collection method: clinical testing. Allele origin: germline.

NM_004706.4(ARHGEF1):c.598C>T (p.His200Tyr)

Gene: ARHGEF1 (Rho guanine nucleotide exchange factor 1; plus strand). Cytogenetic location: 19q13.2.
Variant type: single nucleotide variant.
Coding change: c.598C>T on transcript NM_004706.4 (MANE Select); coding-DNA position 598, C replaced by T.
Protein change: p.His200Tyr; replaces histidine 200 with tyrosine.
Molecular consequence: missense variant.
Genome position (GRCh38, 1-based): chr19:41,892,833, C>T. VCF-style: chr19-41892833-C-T. GRCh37 (hg19) VCF-style: chr19-42396904-C-T.
Other names: c.643C>T (NM_199002.1); c.499C>T, p.His167Tyr (NM_198977.2); c.643C>T, p.His215Tyr (NM_199002.2); short protein forms H200Y, H215Y, H167Y.
Identifiers: ClinVar variation 1404681 (VCV001404681.9), dbSNP rs782117361, ClinGen allele CA9465952.